The following is an entry in ClinVar:

ClinVar aggregate classification (germline): Uncertain significance (1 of 4 stars; one submission).

Conditions:
Inborn genetic diseases. Identifiers: MedGen C0950123, MeSH D030342.

Submission:

Ambry Genetics
Classification: Uncertain significance for Inborn genetic diseases. Last evaluated: 2025-03-31. Review status: criteria provided, single submitter. Criteria: Ambry Variant Classification Scheme 2023. Collection method: clinical testing. Allele origin: germline.
Comment: The p.V1718A variant (also known as c.5153T>C), located in coding exon 20 of the FANCM gene, results from a T to C substitution at nucleotide position 5153. The valine at codon 1718 is replaced by alanine, an amino acid with similar properties. This amino acid position is conserved. In addition, this alteration is predicted to be tolerated by in silico analysis. Based on the available evidence, the clinical significance of this variant remains unclear.

NM_020937.4(FANCM):c.5153T>C (p.Val1718Ala)

Gene: FANCM (FA complementation group M; plus strand). Cytogenetic location: 14q21.2.
Variant type: single nucleotide variant.
Coding change: c.5153T>C on transcript NM_020937.4 (MANE Select); coding-DNA position 5153, T replaced by C.
Protein change: p.Val1718Ala; replaces valine 1718 with alanine.
Molecular consequence: missense variant.
Genome position (GRCh38, 1-based): chr14:45,189,175, T>C. VCF-style: chr14-45189175-T-C. GRCh37 (hg19) VCF-style: chr14-45658378-T-C.
Other names: c.5075T>C, p.Val1692Ala (NM_001308133.2); short protein forms V1718A, V1692A.
Identifiers: ClinVar variation 4022636 (VCV004022636.1).